The following is an entry in ClinVar:

NM_002878.4(RAD51D):c.263+7G>T

Genes: RAD51L3-RFFL (RAD51L3-RFFL readthrough; minus strand), RAD51D (RAD51 paralog D; minus strand). Cytogenetic location: 17q12.
Variant type: single nucleotide variant.
Coding change: c.263+7G>T on transcript NM_002878.4 (MANE Select); 7 bases into the intron after coding-DNA position 263, G replaced by T.
Molecular consequence: intron variant.
Genome position (GRCh38, 1-based): chr17:35,118,494, C>A on the plus strand (G>T on the coding strand, the complement: RAD51D is on the minus strand). VCF-style: chr17-35118494-C-A. GRCh37 (hg19) VCF-style: chr17-33445513-C-A.
Other names: c.144+617G>T (NM_133629.3, NM_001142571.2).
Identifiers: ClinVar variation 795452 (VCV000795452.23), dbSNP rs56218020, ClinGen allele CA915949989.

ClinVar aggregate classification (germline): Likely benign. Review status: criteria provided, multiple submitters, no conflicts (2 of 4 stars). 2 submissions from 2 submitters: Likely benign (2). Last evaluated 2025-02-20.

Conditions:
Breast-ovarian cancer, familial, susceptibility to, 4. Identifiers: Orphanet 145, MedGen C3280345, MONDO:0013669, OMIM 614291.

Submissions (2):

Myriad Genetics, Inc.
Classification: Likely benign for Breast-ovarian cancer, familial, susceptibility to, 4. Last evaluated: 2025-02-20. Review status: criteria provided, single submitter. Criteria: Myriad Autosomal Dominant, Autosomal Recessive and X-Linked Classification Criteria (2023). Collection method: clinical testing. Allele origin: unknown.
Comment: This variant is considered likely benign. This variant is intronic and is not expected to impact mRNA splicing.

Labcorp Genetics (formerly Invitae), Labcorp
Classification: Likely benign for Breast-ovarian cancer, familial, susceptibility to, 4. Last evaluated: 2018-11-16. Review status: criteria provided, single submitter. Criteria: Invitae Variant Classification Sherloc (09022015). Collection method: clinical testing. Allele origin: germline.